The following is an entry in ClinVar:

ClinVar aggregate classification (germline): Uncertain significance (1 of 4 stars; one submission).

Conditions:
CFI-related disorder. Also called: CFI-related condition; CFI-related disorders. Identifiers: MedGen CN239325.

Submission:

Genomenon, Inc
Classification: Uncertain significance for CFI-related disorder. Last evaluated: 2025-09-26. Review status: criteria provided, single submitter. Criteria: Genomenon Sequence Variant Interpretation Standards - Updated. Collection method: curation. Allele origin: germline. Affected: no.
Comment: CFI p.Glu303Lys (c.907G>A) is a missense variant that changes the amino acid at residue 303 from Glutamic acid to Lysine. This variant has been reported in the published literature (PMID:28282489;17089378;28700996). Functional studies have been reported; however, the significance of the findings remain unclear (PMID:32510551;21768352). It is absent or not present at a significant frequency in gnomAD. In silico models agree that this variant is not damaging. In conclusion, we classify CFI p.Glu303Lys (c.907G>A) as a variant of unknown significance.

Literature cited by the submitters: PubMed 28282489; 17089378; 28700996; 32510551; 21768352.

NM_000204.5(CFI):c.907G>A (p.Glu303Lys)

Gene: CFI (complement factor I; minus strand). Cytogenetic location: 4q25.
Variant type: single nucleotide variant.
Coding change: c.907G>A on transcript NM_000204.5 (MANE Select); coding-DNA position 907, G replaced by A.
Protein change: p.Glu303Lys; replaces glutamic acid 303 with lysine.
Molecular consequence: missense variant. On other transcripts: non-coding transcript variant (3), intron variant (1).
Genome position (GRCh38, 1-based): chr4:109,752,501, C>T on the plus strand (G>A on the coding strand, the complement: CFI is on the minus strand). VCF-style: chr4-109752501-C-T. GRCh37 (hg19) VCF-style: chr4-110673657-C-T.
Other names: c.931G>A, p.Glu311Lys (NM_001318057.2, NM_001375278.1, NM_001440988.1); c.886G>A, p.Glu296Lys (NM_001331035.2, NM_001375280.1, NM_001375282.1 and 1 more transcripts); c.907G>A, p.Glu303Lys (NM_001375279.1, NM_001375281.1, NM_001440989.1); c.298G>A, p.Glu100Lys (NM_001375284.1); c.928G>A, p.Glu310Lys (NM_001440985.1, NM_001440986.1); c.884-2899G>A (NM_001375283.1); short protein forms E100K, E296K, E303K, E310K, E311K.
Identifiers: ClinVar variation 4280470 (VCV004280470.1).